The following is an entry in ClinVar:

NM_024747.6(HPS6):c.205C>G (p.Arg69Gly)

Genes: HPS6 (HPS6 biogenesis of lysosomal organelles complex 2 subunit 3; plus strand), LOC130004578 (ATAC-STARR-seq lymphoblastoid silent region 2738; plus strand). Cytogenetic location: 10q24.32.
Variant type: single nucleotide variant.
Coding change: c.205C>G on transcript NM_024747.6 (MANE Select); coding-DNA position 205, C replaced by G.
Protein change: p.Arg69Gly; replaces arginine 69 with glycine.
Molecular consequence: missense variant.
Genome position (GRCh38, 1-based): chr10:102,065,679, C>G. VCF-style: chr10-102065679-C-G. GRCh37 (hg19) VCF-style: chr10-103825436-C-G.
Other names: c.205C>G (NM_024747.5); short protein forms R69G.
Identifiers: ClinVar variation 1419623 (VCV001419623.6), dbSNP rs751168789, ClinGen allele CA5659763.

ClinVar aggregate classification (germline): Uncertain significance. Review status: criteria provided, multiple submitters, no conflicts (2 of 4 stars). 2 submissions from 2 submitters: Uncertain significance (2). Last evaluated 2026-02-03.

Allele frequency attached by ClinVar (database versions not stated): gnomAD 0.00005; TOPMed 0.00004; ExAC 0.00014.
gnomAD v4.1: 113 of 1,523,458 alleles (0.0074%); highest among the groups gnomAD compares: Non-Finnish European, 0.0095%; no homozygotes.

Submissions (2):

GeneDx
Classification: Uncertain significance. Last evaluated: 2026-02-03. Review status: criteria provided, single submitter. Criteria: GeneDx Variant Classification Process June 2021. Collection method: clinical testing. Allele origin: germline.
Comment: In silico analysis supports that this missense variant has a deleterious effect on protein structure/function; Has not been previously published as pathogenic or benign to our knowledge

Labcorp Genetics (formerly Invitae), Labcorp
Classification: Uncertain significance. Last evaluated: 2022-09-19. Review status: criteria provided, single submitter. Criteria: Invitae Variant Classification Sherloc (09022015). Collection method: clinical testing. Allele origin: germline.
Comment: This sequence change replaces arginine, which is basic and polar, with glycine, which is neutral and non-polar, at codon 69 of the HPS6 protein (p.Arg69Gly). This variant is present in population databases (rs751168789, gnomAD 0.02%). This variant has not been reported in the literature in individuals affected with HPS6-related conditions. ClinVar contains an entry for this variant (Variation ID: 1419623). Advanced modeling of protein sequence and biophysical properties (such as structural, functional, and spatial information, amino acid conservation, physicochemical variation, residue mobility, and thermodynamic stability) performed at Invitae indicates that this missense variant is not expected to disrupt HPS6 protein function. In summary, the available evidence is currently insufficient to determine the role of this variant in disease. Therefore, it has been classified as a Variant of Uncertain Significance.